The following is an entry in ClinVar:

ClinVar aggregate classification (germline): Uncertain significance. Review status: reviewed by expert panel (3 of 4 stars). 2 submissions from 2 submitters: Uncertain significance (1). 1 of the submissions does not count toward it. Last evaluated 2025-08-01.

Conditions:
Malignant hyperthermia, susceptibility to, 1 (MHS1). Also called: RYR1-Related Malignant Hyperthermia Susceptibility; Malignant hyperthermia suceptibility 1; Anesthesia related hyperthermia; Malignant hyperpyrexia; Fulminating hyperpyrexia; Pharmacogenic myopathy. Identifiers: Orphanet 423, MedGen C2930980, MONDO:0007783, OMIM 145600.

Submissions (2):

ClinGen Malignant Hyperthermia Susceptibility Variant Curation Expert Panel, ClinGen
Classification: Uncertain significance for Malignant hyperthermia, susceptibility to, 1. Last evaluated: 2025-08-01. Review status: reviewed by expert panel. Criteria: ClinGen MHS ACMG Specifications V2. Collection method: curation. Allele origin: germline. Inheritance: Autosomal dominant inheritance. Study: ClinGen.
Comment: This pathogenicity assessment is relevant only for malignant hyperthermia susceptibility (MHS) inherited in an autosomal dominant pattern. Variants in RYR1 can also cause other myopathies inherited in an autosomal dominant pattern or in an autosomal recessive pattern. Some of these disorders may predispose individuals to malignant hyperthermia. RYR1 variants may also contribute to a malignant hyperthermia reaction in combination with other genetic and non-genetic factors and the clinician needs to consider such factors in making management decisions. This sequence variant predicts a substitution of phenylalanine with tyrosine at codon 4960 of the RYR1 protein, p.(Phe4960Tyr). This variant was not present in a large population database (gnomAD) at the time this variant was interpreted. This variant has been reported in an individual with elevated creatine kinase, a second variant of uncertain significance, p.Arg3119His, was also identified in this individual (PMID:16732084). No functional studies were identified for this variant. This variant resides in a region of RYR1 considered to be a hotspot for pathogenic variants that contribute to MHS, PM1_Sup (PMID: 21118704). A REVEL score >0.85 (0.965) supports a pathogenic status for this variant, PP3_Moderate. This variant has been classified as a Variant of Unknown Significance. Criteria implemented: PM1_Supporting, PP3_Moderate.

RYR1 database
No classification provided. Review status: no classification provided. Collection method: not provided. Allele origin: unknown. Not counted in ClinVar's aggregate classification.

NM_000540.3(RYR1):c.14879T>A (p.Phe4960Tyr)

Gene: RYR1 (ryanodine receptor 1; plus strand). Cytogenetic location: 19q13.2.
Variant type: single nucleotide variant.
Coding change: c.14879T>A on transcript NM_000540.3 (MANE Select); coding-DNA position 14879, T replaced by A.
Protein change: p.Phe4960Tyr; replaces phenylalanine 4960 with tyrosine.
Molecular consequence: missense variant.
Genome position (GRCh38, 1-based): chr19:38,586,101, T>A. VCF-style: chr19-38586101-T-A. GRCh37 (hg19) VCF-style: chr19-39076741-T-A.
Other names: NM_000540.2(RYR1):c.14879T>A; p.Phe4960Tyr; c.14864T>A, p.Phe4955Tyr (NM_001042723.2); short protein forms F4960Y, F4955Y.
Identifiers: ClinVar variation 133096 (VCV000133096.4), dbSNP rs193922898, ClinGen allele CA024272.
Genomic context (GRCh38, chr19:38,586,101, plus strand): 5'-ATTCAGGGGGTCAAGTGGGCCTCCACTCTGATGTCTCTTGCCACTCACAGACCAAGTGCT[T>A]CATCTGTGGAATCGGCAGTGACTACTTTGATACGACACCGCATGGCTTCGAGACTCACAC-3'
Protein context (NP_000531.2, residues 4950-4970): QVKEDMETKC[Phe4960Tyr]ICGIGSDYFD